The following is an entry in ClinVar:

ClinVar aggregate classification (germline): Conflicting classifications of pathogenicity. Review status: criteria provided, conflicting classifications (1 of 4 stars). 10 submissions from 10 submitters: Uncertain significance (2); Benign (1); Likely benign (6). 1 of the submissions does not count toward it. Last evaluated 2025-08-31.

Conditions:
Hereditary cancer-predisposing syndrome. Also called: Hereditary neoplastic syndrome; Neoplastic Syndromes, Hereditary; Tumor predisposition; Hereditary Cancer Syndrome. Identifiers: Orphanet 140162, MedGen C0027672, MeSH D009386, MONDO:0015356.
Breast and/or ovarian cancer. Identifiers: MedGen CN221562.
Familial cancer of breast. Also called: BREAST CANCER, FAMILIAL; Hereditary breast cancer; hereditary breast carcinoma. Identifiers: Orphanet 227535, MedGen C0346153, MONDO:0016419, OMIM 114480. Disease mechanism: loss of function.

Allele frequency attached by ClinVar (database versions not stated): gnomAD 0.00001; gnomAD exomes 0.00001; TOPMed 0.00001.

Submissions (10):

Labcorp Genetics (formerly Invitae), Labcorp
Classification: Likely benign for Familial cancer of breast. Last evaluated: 2025-08-31. Review status: criteria provided, single submitter. Criteria: Invitae Variant Classification Sherloc (09022015). Collection method: clinical testing. Allele origin: germline.

Women's Health and Genetics/Laboratory Corporation of America, LabCorp
Classification: Likely benign. Last evaluated: 2025-07-28. Review status: criteria provided, single submitter. Criteria: LabCorp Variant Classification Summary - May 2015. Collection method: clinical testing. Allele origin: germline.

Quest Diagnostics Nichols Institute San Juan Capistrano
Classification: Uncertain significance. Last evaluated: 2025-05-22. Review status: criteria provided, single submitter. Criteria: Quest Diagnostics criteria. Collection method: clinical testing. Allele origin: unknown.
Comment: The PALB2 c.1662A>G (p.Glu554=) synonymous variant has not been reported in individuals with PALB2-related conditions in the published literature. The frequency of this variant in the general population (Genome Aggregation Database) is uninformative in the assessment of its pathogenicity. Analysis of this variant using software algorithms for the prediction of the effect of nucleotide changes on splicing yielded predictions that this variant does not affect PALB2 mRNA splicing. Based on the available information, we are unable to determine the clinical significance of this variant.

GeneDx
Classification: Uncertain significance. Last evaluated: 2025-01-27. Review status: criteria provided, single submitter. Criteria: GeneDx Variant Classification Process June 2021. Collection method: clinical testing. Allele origin: germline. Affected: yes.
Comment: Not observed at significant frequency in large population cohorts (gnomAD); In silico analysis indicates that this variant does not alter splicing; Has not been previously published as pathogenic or benign to our knowledge

CHEO Genetics Diagnostic Laboratory, Children's Hospital of Eastern Ontario
Classification: Likely benign for Breast and/or ovarian cancer. Last evaluated: 2023-06-29. Review status: criteria provided, single submitter. Criteria: ACMG Guidelines, 2015. Collection method: clinical testing. Allele origin: germline.

Myriad Genetics, Inc.
Classification: Benign for Familial cancer of breast. Last evaluated: 2023-03-30. Review status: criteria provided, single submitter. Criteria: Myriad Autosomal Dominant, Autosomal Recessive and X-Linked Classification Criteria (2023). Collection method: clinical testing. Allele origin: unknown.
Comment: This variant is considered benign. This variant is a silent/synonymous amino acid change and it is not expected to impact splicing.

Sema4
Classification: Likely benign for Hereditary cancer-predisposing syndrome. Last evaluated: 2021-06-16. Review status: criteria provided, single submitter. Criteria: Sema4 Curation Guidelines. Collection method: curation. Allele origin: germline.

Color Diagnostics, LLC DBA Color Health
Classification: Likely benign for Hereditary cancer-predisposing syndrome. Last evaluated: 2017-12-21. Review status: criteria provided, single submitter. Criteria: ACMG Guidelines, 2015. Collection method: clinical testing. Allele origin: germline.

Ambry Genetics
Classification: Likely benign for Hereditary cancer-predisposing syndrome. Last evaluated: 2014-09-12. Review status: criteria provided, single submitter. Criteria: Ambry Variant Classification Scheme 2023. Collection method: clinical testing. Allele origin: germline.

Counsyl
Classification: Likely benign for Familial cancer of breast. Last evaluated: 2018-03-26. Review status: no assertion criteria provided. Collection method: clinical testing. Allele origin: unknown. Not counted in ClinVar's aggregate classification.

NM_024675.4(PALB2):c.1662A>G (p.Glu554=)

Gene: PALB2 (partner and localizer of BRCA2; minus strand). Cytogenetic location: 16p12.2.
Variant type: single nucleotide variant.
Coding change: c.1662A>G on transcript NM_024675.4 (MANE Select); coding-DNA position 1662, A replaced by G.
Protein change: p.Glu554=; no amino-acid change (glutamic acid 554 retained).
Molecular consequence: synonymous variant.
Genome position (GRCh38, 1-based): chr16:23,634,884, T>C on the plus strand (A>G on the coding strand, the complement: PALB2 is on the minus strand). VCF-style: chr16-23634884-T-C. GRCh37 (hg19) VCF-style: chr16-23646205-T-C.
Identifiers: ClinVar variation 186099 (VCV000186099.31), dbSNP rs786202692, ClinGen allele CA193865.